The following is an entry in ClinVar:

NM_001371596.2(MFSD8):c.1307T>C (p.Met436Thr)

Gene: MFSD8 (major facilitator superfamily domain containing 8; minus strand). Cytogenetic location: 4q28.2.
Variant type: single nucleotide variant.
Coding change: c.1307T>C on transcript NM_001371596.2 (MANE Select); coding-DNA position 1307, T replaced by C.
Protein change: p.Met436Thr; replaces methionine 436 with threonine.
Molecular consequence: missense variant.
Genome position (GRCh38, 1-based): chr4:127,921,567, A>G on the plus strand (T>C on the coding strand, the complement: MFSD8 is on the minus strand). VCF-style: chr4-127921567-A-G. GRCh37 (hg19) VCF-style: chr4-128842722-A-G.
Other names: c.1106T>C, p.Met369Thr (NM_001363520.3); c.992T>C, p.Met331Thr (NM_001363521.3); c.1172T>C, p.Met391Thr (NM_001371590.2); c.1307T>C, p.Met436Thr (NM_001371591.2, NM_152778.4); c.1313T>C, p.Met438Thr (NM_001371592.2); c.1193T>C, p.Met398Thr (NM_001371593.2); c.1160T>C, p.Met387Thr (NM_001371594.2); c.1025T>C, p.Met342Thr (NM_001371595.1); and 2 more; short protein forms M387T, M369T, M398T, M331T, M436T, M438T, M342T, M391T.
Identifiers: ClinVar variation 1451070 (VCV001451070.4), dbSNP rs1405931975, ClinGen allele CA358170996.

ClinVar aggregate classification (germline): Uncertain significance (1 of 4 stars; one submission).

Conditions:
Neuronal ceroid lipofuscinosis 7 (CLN7). Also called: MFSD8-Related Neuronal Ceroid-Lipofuscinosis. Identifiers: Orphanet 168491, Orphanet 228366, MedGen C1838571, MONDO:0012588, OMIM 610951.

Allele frequency attached by ClinVar (database versions not stated): gnomAD exomes below 0.00001; TOPMed below 0.00001; gnomAD 0.00001.
gnomAD v4.1: 6 of 1,614,114 alleles (0.00037%); highest among the groups gnomAD compares: Non-Finnish European, 0.00051%; no homozygotes.

Submission:

Labcorp Genetics (formerly Invitae), Labcorp
Classification: Uncertain significance for Neuronal ceroid lipofuscinosis 7. Last evaluated: 2022-02-13. Review status: criteria provided, single submitter. Criteria: Invitae Variant Classification Sherloc (09022015). Collection method: clinical testing. Allele origin: germline.
Comment: This sequence change replaces methionine, which is neutral and non-polar, with threonine, which is neutral and polar, at codon 436 of the MFSD8 protein (p.Met436Thr). This variant is present in population databases (no rsID available, gnomAD 0.002%). This variant has not been reported in the literature in individuals affected with MFSD8-related conditions. Algorithms developed to predict the effect of missense changes on protein structure and function output the following: SIFT: "Tolerated"; PolyPhen-2: "Benign"; Align-GVGD: "Class C0". The threonine amino acid residue is found in multiple mammalian species, which suggests that this missense change does not adversely affect protein function. In summary, the available evidence is currently insufficient to determine the role of this variant in disease. Therefore, it has been classified as a Variant of Uncertain Significance.